The following is an entry in ClinVar:

ClinVar aggregate classification (germline): Likely pathogenic (1 of 4 stars; one submission).

Conditions:
Hyperparathyroidism, transient neonatal. Identifiers: MedGen C1300287, MONDO:0032591, OMIM 618188.

Allele frequency attached by ClinVar (database versions not stated): gnomAD exomes below 0.00001; TOPMed 0.00001.
gnomAD v4.1: 3 of 1,614,168 alleles (0.00019%); highest among the groups gnomAD compares: Non-Finnish European, 0.00025%; no homozygotes.

Submission:

SIB Swiss Institute of Bioinformatics
Classification: Likely pathogenic for Hyperparathyroidism, transient neonatal. Last evaluated: 2019-05-21. Review status: criteria provided, single submitter. Criteria: ACMG Guidelines, 2015. Collection method: curation. Allele origin: unknown.
Comment: This variant is interpreted as a Likely pathogenic for Hyperparathyroidism, transient neonatal, autosomal recessive. The following ACMG Tag(s) were applied: PM2; PP3; PS3-Moderate; PM3-Supporting.

Literature cited by the submitters: PubMed 29861107.

NM_018646.6(TRPV6):c.635G>A (p.Cys212Tyr)

Gene: TRPV6 (transient receptor potential cation channel subfamily V member 6; minus strand). Cytogenetic location: 7q34.
Variant type: single nucleotide variant.
Coding change: c.635G>A on transcript NM_018646.6 (MANE Select); coding-DNA position 635, G replaced by A.
Protein change: p.Cys212Tyr; replaces cysteine 212 with tyrosine.
Molecular consequence: missense variant.
Genome position (GRCh38, 1-based): chr7:142,876,810, C>T on the plus strand (G>A on the coding strand, the complement: TRPV6 is on the minus strand). VCF-style: chr7-142876810-C-T. GRCh37 (hg19) VCF-style: chr7-142574563-C-T.
Other names: short protein forms C212Y.
Identifiers: ClinVar variation 692130 (VCV000692130.1), dbSNP rs1586190048, ClinGen allele CA369637117.